The following is an entry in ClinVar:

NM_005751.5(AKAP9):c.4787G>T (p.Arg1596Leu)

Gene: AKAP9 (A-kinase anchoring protein 9; plus strand). Cytogenetic location: 7q21.2.
Variant type: single nucleotide variant.
Coding change: c.4787G>T on transcript NM_005751.5 (MANE Select); coding-DNA position 4787, G replaced by T.
Protein change: p.Arg1596Leu; replaces arginine 1596 with leucine.
Molecular consequence: missense variant.
Genome position (GRCh38, 1-based): chr7:92,040,768, G>T. VCF-style: chr7-92040768-G-T. GRCh37 (hg19) VCF-style: chr7-91670082-G-T.
Other names: c.4787G>T, p.Arg1596Leu (NM_147185.3); short protein forms R1596L.
Identifiers: ClinVar variation 2108957 (VCV002108957.6), dbSNP rs755498039, ClinGen allele CA368129572.

ClinVar aggregate classification (germline): Uncertain significance. Review status: criteria provided, multiple submitters, no conflicts (2 of 4 stars). 3 submissions from 3 submitters: Uncertain significance (3). Last evaluated 2024-10-21.

Conditions:
Cardiovascular phenotype. Identifiers: MedGen CN230736.
Long QT syndrome (LQTS). Identifiers: MedGen C0023976, MeSH D008133, MONDO:0002442. Disease mechanism: loss of function. Inheritance: Various modes of inheritance.

gnomAD v4.1: 4 of 1,613,352 alleles (0.00025%); highest among the groups gnomAD compares: Non-Finnish European, 0.00034%; no homozygotes.

Submissions (3):

Ambry Genetics
Classification: Uncertain significance for Cardiovascular phenotype. Last evaluated: 2024-10-21. Review status: criteria provided, single submitter. Criteria: Ambry Variant Classification Scheme 2023. Collection method: clinical testing. Allele origin: germline.
Comment: The p.R1596L variant (also known as c.4787G>T), located in coding exon 18 of the AKAP9 gene, results from a G to T substitution at nucleotide position 4787. The arginine at codon 1596 is replaced by leucine, an amino acid with dissimilar properties. This amino acid position is conserved. In addition, this alteration is predicted to be tolerated by in silico analysis. Based on the available evidence, the clinical significance of this variant remains unclear.

GeneDx
Classification: Uncertain significance. Last evaluated: 2024-02-28. Review status: criteria provided, single submitter. Criteria: GeneDx Variant Classification Process June 2021. Collection method: clinical testing. Allele origin: germline. Affected: yes.
Comment: Not observed at significant frequency in large population cohorts (gnomAD); In silico analysis supports that this missense variant has a deleterious effect on protein structure/function; Has not been previously published as pathogenic or benign to our knowledge

Labcorp Genetics (formerly Invitae), Labcorp
Classification: Uncertain significance for Long QT syndrome. Last evaluated: 2022-03-11. Review status: criteria provided, single submitter. Criteria: Invitae Variant Classification Sherloc (09022015). Collection method: clinical testing. Allele origin: germline.
Comment: This sequence change replaces arginine, which is basic and polar, with leucine, which is neutral and non-polar, at codon 1596 of the AKAP9 protein (p.Arg1596Leu). This variant is present in population databases (no rsID available, gnomAD 0.0009%). This variant has not been reported in the literature in individuals affected with AKAP9-related conditions. Algorithms developed to predict the effect of missense changes on protein structure and function are either unavailable or do not agree on the potential impact of this missense change (SIFT: "Deleterious"; PolyPhen-2: "Probably Damaging"; Align-GVGD: "Class C0"). In summary, the available evidence is currently insufficient to determine the role of this variant in disease. Therefore, it has been classified as a Variant of Uncertain Significance.